The following is an entry in ClinVar:

ClinVar aggregate classification (germline): Uncertain significance (1 of 4 stars; one submission).

Conditions:
Bardet-Biedl syndrome (BBS). Identifiers: Orphanet 110, MedGen C0752166, MONDO:0015229.

Submission:

Labcorp Genetics (formerly Invitae), Labcorp
Classification: Uncertain significance for Bardet-Biedl syndrome. Last evaluated: 2022-07-21. Review status: criteria provided, single submitter. Criteria: Invitae Variant Classification Sherloc (09022015). Collection method: clinical testing. Allele origin: germline.
Comment: This variant has not been reported in the literature in individuals affected with TTC8-related conditions. This variant is not present in population databases (gnomAD no frequency). This sequence change replaces leucine, which is neutral and non-polar, with phenylalanine, which is neutral and non-polar, at codon 181 of the TTC8 protein (p.Leu181Phe). Algorithms developed to predict the effect of missense changes on protein structure and function output the following: SIFT: "Deleterious"; PolyPhen-2: "Benign"; Align-GVGD: "Class C0". The phenylalanine amino acid residue is found in multiple mammalian species, which suggests that this missense change does not adversely affect protein function. In summary, the available evidence is currently insufficient to determine the role of this variant in disease. Therefore, it has been classified as a Variant of Uncertain Significance.

NM_144596.4(TTC8):c.573G>C (p.Leu191Phe)

Gene: TTC8 (tetratricopeptide repeat domain 8; plus strand). Cytogenetic location: 14q31.3.
Variant type: single nucleotide variant.
Coding change: c.573G>C on transcript NM_144596.4 (MANE Select); coding-DNA position 573, G replaced by C.
Protein change: p.Leu191Phe; replaces leucine 191 with phenylalanine.
Molecular consequence: missense variant. On other transcripts: 5 prime UTR variant (1), non-coding transcript variant (1), intron variant (3).
Genome position (GRCh38, 1-based): chr14:88,841,508, G>C. VCF-style: chr14-88841508-G-C. GRCh37 (hg19) VCF-style: chr14-89307852-G-C.
Other names: c.543G>C, p.Leu181Phe (NM_001288781.1, NM_001366535.2, NM_198309.3); c.-20G>C (NM_001288782.1); c.-199+312G>C (NM_001288783.1); c.459+312G>C (NM_198310.3, NM_001366536.2); short protein forms L181F, L191F.
Identifiers: ClinVar variation 1721979 (VCV001721979.5), dbSNP rs2546170642, ClinGen allele CA390575629.
Genomic context (GRCh38, chr14:88,841,508, plus strand): 5'-TGGACCATTTATAAATTTATCTAGGCTGAATTTAACAAAGTATTCCCAGAAACCTAAGTT[G>C]GCAAAGGTATGTACTTAAAATGATTTTGAGTTATGAAGTAATATTACACGTATGATGATA-3'
Protein context (NP_653197.2, residues 181-201): NLTKYSQKPK[Leu191Phe]AKALFEYIFH